The following is an entry in ClinVar:

NM_001384732.1(CPLANE1):c.1960A>C (p.Lys654Gln)

Gene: CPLANE1 (ciliogenesis and planar polarity effector complex subunit 1; minus strand). Cytogenetic location: 5p13.2.
Variant type: single nucleotide variant.
Coding change: c.1960A>C on transcript NM_001384732.1 (MANE Select); coding-DNA position 1960, A replaced by C.
Protein change: p.Lys654Gln; replaces lysine 654 with glutamine.
Molecular consequence: missense variant.
Genome position (GRCh38, 1-based): chr5:37,226,635, T>G on the plus strand (A>C on the coding strand, the complement: CPLANE1 is on the minus strand). VCF-style: chr5-37226635-T-G. GRCh37 (hg19) VCF-style: chr5-37226737-T-G.
Other names: c.1960A>C, p.Lys654Gln (NM_023073.4); short protein forms K654Q.
Identifiers: ClinVar variation 3700632 (VCV003700632.3).

ClinVar aggregate classification (germline): Uncertain significance. Review status: criteria provided, multiple submitters, no conflicts (2 of 4 stars). 2 submissions from 2 submitters: Uncertain significance (2). Last evaluated 2025-11-19.

gnomAD v4.1: 2 of 1,551,498 alleles (0.00013%); highest among the groups gnomAD compares: Admixed American, 0.002%; no homozygotes.

Submissions (2):

Dasa
Classification: Uncertain significance. Last evaluated: 2025-11-19. Review status: criteria provided, single submitter. Criteria: DASA Assertion Criteria. Collection method: clinical testing. Allele origin: germline.
Comment: NM_001384732.1(CPLANE1):c.1960A>C (p.Lys654Gln) is a missense variant that results in the substitution of lysine with glutamine. This variant has been observed in affected individuals with CPLANE1-related disorders. Also, this variant is rare in population databases. The currently available literature and clinical evidence are not sufficient to establish a definitive association between this variant and the reported condition. Therefore, this variant is classified as a variant of uncertain significance.

Labcorp Genetics (formerly Invitae), Labcorp
Classification: Uncertain significance. Last evaluated: 2024-12-18. Review status: criteria provided, single submitter. Criteria: Invitae Variant Classification Sherloc (09022015). Collection method: clinical testing. Allele origin: germline.
Comment: This sequence change replaces lysine, which is basic and polar, with glutamine, which is neutral and polar, at codon 654 of the CPLANE1 protein (p.Lys654Gln). This variant is present in population databases (no rsID available, gnomAD 0.004%). This variant has not been reported in the literature in individuals affected with CPLANE1-related conditions. Invitae Evidence Modeling of protein sequence and biophysical properties (such as structural, functional, and spatial information, amino acid conservation, physicochemical variation, residue mobility, and thermodynamic stability) indicates that this missense variant is not expected to disrupt CPLANE1 protein function with a negative predictive value of 95%. In summary, the available evidence is currently insufficient to determine the role of this variant in disease. Therefore, it has been classified as a Variant of Uncertain Significance.